The following is an entry in ClinVar:

ClinVar aggregate classification (germline): Uncertain significance (1 of 4 stars; one submission).

Conditions:
Rhabdoid tumor predisposition syndrome 2 (RTPS2). Identifiers: Orphanet 231108, Orphanet 69077, MedGen C2750074, MONDO:0013224, OMIM 613325.

Submission:

Labcorp Genetics (formerly Invitae), Labcorp
Classification: Uncertain significance for Rhabdoid tumor predisposition syndrome 2. Last evaluated: 2020-11-05. Review status: criteria provided, single submitter. Criteria: Invitae Variant Classification Sherloc (09022015). Collection method: clinical testing. Allele origin: germline.
Comment: This sequence change replaces glycine with alanine at codon 1265 of the SMARCA4 protein (p.Gly1265Ala). The glycine residue is moderately conserved and there is a small physicochemical difference between glycine and alanine. This variant is not present in population databases (ExAC no frequency). This variant has not been reported in the literature in individuals with SMARCA4-related conditions. Algorithms developed to predict the effect of missense changes on protein structure and function (SIFT, PolyPhen-2, Align-GVGD) all suggest that this variant is likely to be tolerated, but these predictions have not been confirmed by published functional studies and their clinical significance is uncertain. In summary, the available evidence is currently insufficient to determine the role of this variant in disease. Therefore, it has been classified as a Variant of Uncertain Significance.

NM_003072.5(SMARCA4):c.3794G>C (p.Gly1265Ala)

Gene: SMARCA4 (SWI/SNF related BAF chromatin remodeling complex subunit ATPase 4; plus strand). Cytogenetic location: 19p13.2.
Variant type: single nucleotide variant.
Coding change: c.3794G>C on transcript NM_003072.5 (MANE Select); coding-DNA position 3794, G replaced by C.
Protein change: p.Gly1265Ala; replaces glycine 1265 with alanine.
Molecular consequence: missense variant. On other transcripts: intron variant (5).
Genome position (GRCh38, 1-based): chr19:11,033,786, G>C. VCF-style: chr19-11033786-G-C. GRCh37 (hg19) VCF-style: chr19-11144462-G-C.
Other names: c.3794G>C, p.Gly1265Ala (NM_001128844.3, NM_001128849.3, NM_001387283.1); c.3774+269G>C (NM_001128847.4, NM_001374457.1, NM_001128845.2 and 2 more transcripts); short protein forms G1265A.
Identifiers: ClinVar variation 1466991 (VCV001466991.8), dbSNP rs775157286, ClinGen allele CA404066445.